The following is an entry in ClinVar:

NM_002519.3(NPAT):c.1745T>G (p.Ile582Ser)

Gene: NPAT (nuclear protein, coactivator of histone transcription; minus strand). Cytogenetic location: 11q22.3.
Variant type: single nucleotide variant.
Coding change: c.1745T>G on transcript NM_002519.3 (MANE Select); coding-DNA position 1745, T replaced by G.
Protein change: p.Ile582Ser; replaces isoleucine 582 with serine.
Molecular consequence: missense variant.
Genome position (GRCh38, 1-based): chr11:108,173,239, A>C on the plus strand (T>G on the coding strand, the complement: NPAT is on the minus strand). VCF-style: chr11-108173239-A-C. GRCh37 (hg19) VCF-style: chr11-108043966-A-C.
Other names: c.1745T>G, p.Ile582Ser (NM_001321307.1); short protein forms I582S.
Identifiers: ClinVar variation 1779289 (VCV001779289.2), dbSNP rs1388104394, ClinGen allele CA382514448.
Genomic context (GRCh38, chr11:108,173,239, plus strand): 5'-TGAAGACAAGAATTATCTTGGCAATTTGATAGCTGTGACATAACTGGTTCTAACACATTA[A>C]TTTCTATTTTACTCTTGTGAACTTCACTAGAATCTGATGACTTGGAACCATGAAAATTAA-3'
Protein context (NP_002510.2, residues 572-592): SSEVHKSKIE[Ile582Ser]NVLEPVMSQL

ClinVar aggregate classification (germline): Uncertain significance (1 of 4 stars; one submission).

Allele frequency attached by ClinVar (database versions not stated): gnomAD 0.00001; TOPMed 0.00001.
gnomAD v4.1: 1 of 1,612,890 alleles (0.000062%); highest among the groups gnomAD compares: African/African-American, 0.0013%; no homozygotes.

Submission:

Ambry Genetics
Classification: Uncertain significance. Last evaluated: 2022-02-22. Review status: criteria provided, single submitter. Criteria: Ambry Variant Classification Scheme 2023. Collection method: clinical testing. Allele origin: germline.
Comment: The p.I582S variant (also known as c.1745T>G), located in coding exon 13 of the NPAT gene, results from a T to G substitution at nucleotide position 1745. The isoleucine at codon 582 is replaced by serine, an amino acid with dissimilar properties. This amino acid position is conserved. In addition, this alteration is predicted to be tolerated by in silico analysis. Since supporting evidence is limited at this time, the clinical significance of this alteration remains unclear.